The following is an entry in ClinVar:

ClinVar aggregate classification (germline): Benign/Likely benign. Review status: criteria provided, multiple submitters, no conflicts (2 of 4 stars). 8 submissions from 8 submitters: Benign (3); Likely benign (3). 2 of the submissions do not count toward it. Last evaluated 2026-06-01.

Conditions:
MLC1-related disorder. Also called: MLC1-related condition.
Megalencephalic leukoencephalopathy with subcortical cysts. Also called: VAN DER KNAAP DISEASE. Identifiers: Orphanet 2478, MedGen C1858854, MONDO:0011391.
Megalencephalic leukoencephalopathy with subcortical cysts 1 (MLC1). Also called: LEUKOENCEPHALOPATHY WITH SWELLING AND CYSTS; VACUOLATING MEGALENCEPHALIC LEUKOENCEPHALOPATHY WITH SUBCORTICAL CYSTS. Identifiers: Orphanet 2478, MedGen C5779875, MONDO:0024555, OMIM 604004.

Allele frequency attached by ClinVar (database versions not stated): gnomAD exomes 0.00556; ExAC 0.00820; 1000 Genomes Project 0.00419; 1000 Genomes Project 30x 0.00422; gnomAD 0.00422 and 0.00437; TOPMed 0.00447; ESP Exome Variant Server 0.00461.
gnomAD v4.1: 8,819 of 1,605,238 alleles (0.55%); highest among the groups gnomAD compares: Middle Eastern, 0.99%; 45 homozygotes.

Submissions (8):

CeGaT Center for Human Genetics Tuebingen
Classification: Likely benign. Last evaluated: 2026-06-01. Review status: criteria provided, single submitter. Criteria: CeGaT Center For Human Genetics Tuebingen Variant Classification Criteria Version 2. Collection method: clinical testing. Allele origin: germline. Affected: yes. Observed: 27 variant alleles.
Comment: MLC1: BP4, BP7, BS2

Labcorp Genetics (formerly Invitae), Labcorp
Classification: Benign. Last evaluated: 2026-02-02. Review status: criteria provided, single submitter. Criteria: Invitae Variant Classification Sherloc (09022015). Collection method: clinical testing. Allele origin: germline.

Mayo Clinic Laboratories, Mayo Clinic
Classification: Benign. Last evaluated: 2023-07-14. Review status: criteria provided, single submitter. Criteria: ACMG Guidelines, 2015. Collection method: clinical testing. Allele origin: germline. Observed: 4 variant alleles.
Comment: BS1, BS2, BP4, BP7

Genome-Nilou Lab
Classification: Likely benign for Megalencephalic leukoencephalopathy with subcortical cysts 1. Last evaluated: 2021-05-18. Review status: criteria provided, single submitter. Criteria: ACMG Guidelines, 2015. Collection method: clinical testing. Allele origin: germline. Affected: no.

Illumina Laboratory Services, Illumina
Classification: Benign for Megalencephalic leukoencephalopathy with subcortical cysts 1. Last evaluated: 2018-01-13. Review status: criteria provided, single submitter. Criteria: ICSL Variant Classification Criteria 13 December 2019. Collection method: clinical testing. Allele origin: germline.
Comment: This variant was observed in the ICSL laboratory as part of a predisposition screen in an ostensibly healthy population. It had not been previously curated by ICSL or reported in the Human Gene Mutation Database (HGMD: prior to June 1st, 2018), and was therefore a candidate for classification through an automated scoring system. Utilizing variant allele frequency, disease prevalence and penetrance estimates, and inheritance mode, an automated score was calculated to assess if this variant is too frequent to cause the disease. Based on the score and internal cut-off values, a variant classified as benign is not then subjected to further curation. The score for this variant resulted in a classification of benign for this disease.

Breakthrough Genomics
Classification: Likely benign. Review status: criteria provided, single submitter. Criteria: ACMG Guidelines, 2015. Collection method: not provided. Allele origin: germline. Inheritance: Autosomal recessive inheritance. Affected: yes.

Natera, Inc.
Classification: Benign for Megalencephalic leukoencephalopathy with subcortical cysts. Last evaluated: 2019-11-28. Review status: no assertion criteria provided. Collection method: clinical testing. Allele origin: germline. Not counted in ClinVar's aggregate classification.

PreventionGenetics, part of Exact Sciences
Classification: Benign for MLC1-related condition. Last evaluated: 2019-06-10. Review status: no assertion criteria provided. Collection method: clinical testing. Allele origin: germline. Not counted in ClinVar's aggregate classification.
Comment: This variant is classified as benign based on ACMG/AMP sequence variant interpretation guidelines (Richards et al. 2015 PMID: 25741868, with internal and published modifications).

NM_015166.4(MLC1):c.279G>A (p.Ser93=)

Gene: MLC1 (modulator of VRAC current 1; minus strand). Cytogenetic location: 22q13.33.
Variant type: single nucleotide variant.
Coding change: c.279G>A on transcript NM_015166.4 (MANE Select); coding-DNA position 279, G replaced by A.
Protein change: p.Ser93=; no amino-acid change (serine 93 retained).
Molecular consequence: synonymous variant. On other transcripts: non-coding transcript variant (3), intron variant (2).
Genome position (GRCh38, 1-based): chr22:50,080,386, C>T on the plus strand (G>A on the coding strand, the complement: MLC1 is on the minus strand). VCF-style: chr22-50080386-C-T. GRCh37 (hg19) VCF-style: chr22-50518815-C-T.
Other names: p.Ser93=; c.279G>A, p.Ser93= (NM_001376472.1, NM_001376473.1, NM_001376474.1 and 7 more transcripts); c.189G>A, p.Ser63= (NM_001376480.1); c.42G>A, p.Ser14= (NM_001376484.1); c.267+2698G>A (NM_001376482.1, NM_001376483.1).
Identifiers: ClinVar variation 342108 (VCV000342108.55), dbSNP rs11568172, ClinGen allele CA10303619.
Genomic context (GRCh38, chr22:50,080,386, plus strand): 5'-CCTGCAAGCTAGACTCACCACATTGGCGTTCCTCCTGGAGACGGTGAAGCTCACAATTGC[C>T]GAGGGGATGCACTGGAATGAAACCGGAATCCCATGAGCCTGCCGCTCACCTGAGCAACTG-3'
Protein context (NP_055981.1, residues 83-103): LRCAAGSCIP[Ser93=]AIVSFTVSRR